The following is an entry in ClinVar:

NM_198576.4(AGRN):c.1555G>T (p.Ala519Ser)

Gene: AGRN (agrin; plus strand). Cytogenetic location: 1p36.33.
Variant type: single nucleotide variant.
Coding change: c.1555G>T on transcript NM_198576.4 (MANE Select); coding-DNA position 1555, G replaced by T.
Protein change: p.Ala519Ser; replaces alanine 519 with serine.
Molecular consequence: missense variant.
Genome position (GRCh38, 1-based): chr1:1,043,409, G>T. VCF-style: chr1-1043409-G-T. GRCh37 (hg19) VCF-style: chr1-978789-G-T.
Other names: c.1555G>T, p.Ala519Ser (NM_001305275.2); c.1240G>T, p.Ala414Ser (NM_001364727.2); short protein forms A414S, A519S.
Identifiers: ClinVar variation 3341337 (VCV003341337.1).

ClinVar aggregate classification (germline): Uncertain significance (1 of 4 stars; one submission).

Conditions:
Congenital myasthenic syndrome 8. Also called: MYASTHENIC SYNDROME, CONGENITAL, DUE TO AGRIN DEFICIENCY; Myasthenic syndrome, congenital, 8, with pre- and postsynaptic defects. Identifiers: Orphanet 590, MedGen C3808739, MONDO:0014052, OMIM 615120.

gnomAD v4.1: 5 of 1,608,630 alleles (0.00031%); highest among the groups gnomAD compares: South Asian, 0.0044%; no homozygotes.

Submission:

Neuberg Centre For Genomic Medicine, NCGM
Classification: Uncertain significance for Congenital myasthenic syndrome 8. Last evaluated: 2023-05-20. Review status: criteria provided, single submitter. Criteria: ACMG Guidelines, 2015. Collection method: clinical testing. Allele origin: germline. Inheritance: Autosomal recessive inheritance. Affected: yes.
Comment: The observed missense c.1555G>T(p.Ala519Ser) variant in AGRN gene has not been reported previously as a pathogenic variant nor as a benign variant, to our knowledge. This variant is reported with the allele frequency of 0.0004% in the gnomAD Exomes. The amino acid Ala at position 519 is changed to a Ser changing protein sequence and it might alter its composition and physico-chemical properties. The amino acid change p.Ala519Ser in AGRN is predicted as conserved by GERP++ and PhyloP across 100 vertebrates. Computational evidence (SIFT - Tolerated, and MutationTaster - Disease causing) predicts conflicting evidence on protein structure and function for this variant. For these reasons, this variant has been classified as Uncertain Significance.